The following is an entry in ClinVar:

NM_014425.5(INVS):c.2322G>A (p.Trp774Ter)

Gene: INVS (inversin; plus strand). Cytogenetic location: 9q31.1.
Variant type: single nucleotide variant.
Coding change: c.2322G>A on transcript NM_014425.5 (MANE Select); coding-DNA position 2322, G replaced by A.
Protein change: p.Trp774Ter; replaces tryptophan 774 with a stop codon.
Molecular consequence: nonsense. On other transcripts: non-coding transcript variant (1).
Genome position (GRCh38, 1-based): chr9:100,292,579, G>A. VCF-style: chr9-100292579-G-A. GRCh37 (hg19) VCF-style: chr9-103054861-G-A.
Other names: c.2034G>A, p.Trp678Ter (NM_001318381.2); c.1344G>A, p.Trp448Ter (NM_001318382.2); short protein forms W448*, W774*, W678*.
Identifiers: ClinVar variation 2746232 (VCV002746232.3), dbSNP rs2490115909, ClinGen allele CA374242897.

ClinVar aggregate classification (germline): Pathogenic (1 of 4 stars; one submission).

Conditions:
Nephronophthisis. Also called: Juvenile Nephronophthisis. Identifiers: Orphanet 655, MedGen C0687120, MONDO:0019005, HP:0000090.

Submission:

Labcorp Genetics (formerly Invitae), Labcorp
Classification: Pathogenic for Nephronophthisis. Last evaluated: 2023-07-25. Review status: criteria provided, single submitter. Criteria: Invitae Variant Classification Sherloc (09022015). Collection method: clinical testing. Allele origin: germline.
Comment: This sequence change creates a premature translational stop signal (p.Trp774*) in the INVS gene. It is expected to result in an absent or disrupted protein product. Loss-of-function variants in INVS are known to be pathogenic (PMID: 12872123). This variant is not present in population databases (gnomAD no frequency). This variant has not been reported in the literature in individuals affected with INVS-related conditions. For these reasons, this variant has been classified as Pathogenic.

Literature cited by the submitters: PubMed 12872123.